The following is an entry in ClinVar:

NM_019885.4(CYP26B1):c.910G>A (p.Ala304Thr)

Gene: CYP26B1 (cytochrome P450 family 26 subfamily B member 1; minus strand). Cytogenetic location: 2p13.2.
Variant type: single nucleotide variant.
Coding change: c.910G>A on transcript NM_019885.4 (MANE Select); coding-DNA position 910, G replaced by A.
Protein change: p.Ala304Thr; replaces alanine 304 with threonine.
Molecular consequence: missense variant.
Genome position (GRCh38, 1-based): chr2:72,133,259, C>T on the plus strand (G>A on the coding strand, the complement: CYP26B1 is on the minus strand). VCF-style: chr2-72133259-C-T. GRCh37 (hg19) VCF-style: chr2-72360388-C-T.
Other names: c.685G>A, p.Ala229Thr (NM_001277742.2); short protein forms A304T, A229T.
Identifiers: ClinVar variation 2170822 (VCV002170822.4), dbSNP rs1265502262, ClinGen allele CA347223925.

ClinVar aggregate classification (germline): Uncertain significance (1 of 4 stars; one submission).

Allele frequency attached by ClinVar (database versions not stated): gnomAD 0.00001; TOPMed 0.00002.
gnomAD v4.1: 7 of 1,610,782 alleles (0.00043%); highest among the groups gnomAD compares: African/African-American, 0.0027%; no homozygotes.

Submission:

Labcorp Genetics (formerly Invitae), Labcorp
Classification: Uncertain significance. Last evaluated: 2022-07-25. Review status: criteria provided, single submitter. Criteria: Invitae Variant Classification Sherloc (09022015). Collection method: clinical testing. Allele origin: germline.
Comment: This sequence change replaces alanine, which is neutral and non-polar, with threonine, which is neutral and polar, at codon 304 of the CYP26B1 protein (p.Ala304Thr). The frequency data for this variant in the population databases is considered unreliable, as metrics indicate poor data quality at this position in the gnomAD database. This variant has not been reported in the literature in individuals affected with CYP26B1-related conditions. Advanced modeling of protein sequence and biophysical properties (such as structural, functional, and spatial information, amino acid conservation, physicochemical variation, residue mobility, and thermodynamic stability) performed at Invitae indicates that this missense variant is not expected to disrupt CYP26B1 protein function. In summary, the available evidence is currently insufficient to determine the role of this variant in disease. Therefore, it has been classified as a Variant of Uncertain Significance.